The following is an entry in ClinVar:

NM_002693.3(POLG):c.3150G>C (p.Lys1050Asn)

Gene: POLG (DNA polymerase gamma, catalytic subunit; minus strand). Cytogenetic location: 15q26.1.
Variant type: single nucleotide variant.
Coding change: c.3150G>C on transcript NM_002693.3 (MANE Select); coding-DNA position 3150, G replaced by C.
Protein change: p.Lys1050Asn; replaces lysine 1050 with asparagine.
Molecular consequence: missense variant.
Genome position (GRCh38, 1-based): chr15:89,319,054, C>G on the plus strand (G>C on the coding strand, the complement: POLG is on the minus strand). VCF-style: chr15-89319054-C-G. GRCh37 (hg19) VCF-style: chr15-89862285-C-G.
Other names: c.3150G>C, p.Lys1050Asn (NM_001126131.2); short protein forms K1050N.
Identifiers: ClinVar variation 1721634 (VCV001721634.6), dbSNP rs1254460454, ClinGen allele CA393751005.

ClinVar aggregate classification (germline): Uncertain significance (1 of 4 stars; one submission).

Conditions:
Progressive sclerosing poliodystrophy (MTDPS4A). Also called: NEURONAL DEGENERATION OF CHILDHOOD WITH LIVER DISEASE, PROGRESSIVE; Alpers Syndrome; ALPERS DIFFUSE DEGENERATION OF CEREBRAL GRAY MATTER WITH HEPATIC CIRRHOSIS; Alpers-Huttenlocher Syndrome; Mitochondrial DNA Depletion Syndrome 4A; Alpers-Huttenlocher Syndrome (AHS). Identifiers: Orphanet 726, MedGen C0205710, MONDO:0008758, OMIM 203700.

gnomAD v4.1: 4 of 1,614,164 alleles (0.00025%); highest among the groups gnomAD compares: African/African-American, 0.0013%; no homozygotes.

Submission:

Labcorp Genetics (formerly Invitae), Labcorp
Classification: Uncertain significance for Progressive sclerosing poliodystrophy. Last evaluated: 2022-10-14. Review status: criteria provided, single submitter. Criteria: Invitae Variant Classification Sherloc (09022015). Collection method: clinical testing. Allele origin: germline.
Comment: This sequence change replaces lysine, which is basic and polar, with asparagine, which is neutral and polar, at codon 1050 of the POLG protein (p.Lys1050Asn). This variant is not present in population databases (gnomAD no frequency). This variant has not been reported in the literature in individuals affected with POLG-related conditions. Advanced modeling of protein sequence and biophysical properties (such as structural, functional, and spatial information, amino acid conservation, physicochemical variation, residue mobility, and thermodynamic stability) performed at Invitae indicates that this missense variant is not expected to disrupt POLG protein function. In summary, the available evidence is currently insufficient to determine the role of this variant in disease. Therefore, it has been classified as a Variant of Uncertain Significance.